The following is an entry in ClinVar:

NM_000089.4(COL1A2):c.3092T>A (p.Leu1031Gln)

Gene: COL1A2 (collagen type I alpha 2 chain; plus strand). Cytogenetic location: 7q21.3.
Variant type: single nucleotide variant.
Coding change: c.3092T>A on transcript NM_000089.4 (MANE Select); coding-DNA position 3092, T replaced by A.
Protein change: p.Leu1031Gln; replaces leucine 1031 with glutamine.
Molecular consequence: missense variant.
Genome position (GRCh38, 1-based): chr7:94,426,517, T>A. VCF-style: chr7-94426517-T-A. GRCh37 (hg19) VCF-style: chr7-94055829-T-A.
Other names: short protein forms L1031Q.
Identifiers: ClinVar variation 3760551 (VCV003760551.2).

ClinVar aggregate classification (germline): Uncertain significance (1 of 4 stars; one submission).

Conditions:
Ehlers-Danlos syndrome, classic type, 1 (EDSCL1). Also called: EHLERS-DANLOS SYNDROME, GRAVIS TYPE; EHLERS-DANLOS SYNDROME, SEVERE CLASSIC TYPE; Ehlers-Danlos syndrome, type 1; Ehlers-Danlos Syndrome, Classic Type, COL5A1-Related; EDS I. Identifiers: MedGen C0268335, MONDO:0019567, OMIM 130000.
Osteogenesis imperfecta type I (OI1). Also called: OI, TYPE I; OSTEOGENESIS IMPERFECTA TARDA; OSTEOGENESIS IMPERFECTA WITH BLUE SCLERAE; Osteogenesis imperfecta type 1; Lobstein's Disease; Lobstein disease. Identifiers: Orphanet 216796, Orphanet 666, MedGen C0023931, MONDO:0008146, OMIM 166200. Disease mechanism: loss of function.

gnomAD v4.1: 2 of 1,602,526 alleles (0.00012%); highest among the groups gnomAD compares: Admixed American, 0.0017%; no homozygotes.

Submission:

Labcorp Genetics (formerly Invitae), Labcorp
Classification: Uncertain significance for Osteogenesis imperfecta type I; Ehlers-Danlos syndrome, classic type, 1. Last evaluated: 2025-07-03. Review status: criteria provided, single submitter. Criteria: Invitae Variant Classification Sherloc (09022015). Collection method: clinical testing. Allele origin: germline.
Comment: This sequence change replaces leucine, which is neutral and non-polar, with glutamine, which is neutral and polar, at codon 1031 of the COL1A2 protein (p.Leu1031Gln). This variant is not present in population databases (gnomAD no frequency). This variant has not been reported in the literature in individuals affected with COL1A2-related conditions. ClinVar contains an entry for this variant (Variation ID: 3760551). Invitae Evidence Modeling of protein sequence and biophysical properties (such as structural, functional, and spatial information, amino acid conservation, physicochemical variation, residue mobility, and thermodynamic stability) has been performed for this missense variant. However, the output from this modeling did not meet the statistical confidence thresholds required to predict the impact of this variant on COL1A2 protein function. Algorithms developed to predict the effect of sequence changes on RNA splicing suggest that this variant may create or strengthen a splice site. In summary, the available evidence is currently insufficient to determine the role of this variant in disease. Therefore, it has been classified as a Variant of Uncertain Significance.